The following is an entry in ClinVar:

NM_005868.6(BET1):c.134del (p.Ala45fs)

Gene: BET1 (Bet1 golgi vesicular membrane trafficking protein; minus strand). Cytogenetic location: 7q21.3.
Variant type: Deletion.
Coding change: c.134del on transcript NM_005868.6 (MANE Select); coding-DNA position 134, one base deleted (C; older notation c.134delC).
Protein change: p.Ala45fs; shifts the reading frame from alanine 45.
Molecular consequence: frameshift variant. On other transcripts: non-coding transcript variant (2).
Genome position (GRCh38, 1-based): chr7:93,999,180, G deleted on the plus strand (C on the coding strand, the reverse complement: BET1 is on the minus strand). VCF-style (leftmost placement, unchanged base first): chr7-93999179-AG-A. GRCh37 (hg19) VCF-style: chr7-93628491-AG-A.
Other names: c.134del, p.Ala45fs (NM_001317739.2); c.134delC (NM_005868.6); short protein forms A45fs.
Identifiers: ClinVar variation 619186 (VCV000619186.3), dbSNP rs541754296, ClinGen allele CA4346329.

ClinVar aggregate classification (germline): Uncertain significance. Review status: criteria provided, single submitter (1 of 4 stars). 2 submissions from 2 submitters: Uncertain significance (1). 1 of the submissions does not count toward it. Last evaluated 2019-02-25.

Conditions:
Progressive muscle weakness. Identifiers: MedGen C0240421, HP:0003323.
Seizure. Also called: Seizures. Identifiers: MedGen C0036572, HP:0001250.
Muscular dystrophy, congenital, with rapid progression (MDRP). Identifiers: MedGen C1850840, MONDO:0009682, OMIM 254100.

Allele frequency attached by ClinVar (database versions not stated): ExAC 0.00011; gnomAD 0.00011; gnomAD exomes 0.00011 and 0.00025; TOPMed 0.00018; ESP Exome Variant Server 0.00032.

Submissions (2):

Broad Center for Mendelian Genomics, Broad Institute of MIT and Harvard
Classification: Uncertain significance for Progressive muscle weakness; Seizure. Last evaluated: 2019-02-25. Review status: criteria provided, single submitter. Criteria: ACMG Guidelines, 2015. Collection method: research. Allele origin: germline. Inheritance: Autosomal recessive inheritance. Affected: yes.
Comment: This variant has been identified in 0.018% (24/128800) of European chromosomes by the Genome Aggregation Database (gnomAD; dbSNP rs541754296). Although this variant has been seen in the general population, its frequency is low enough to be consistent with a recessive carrier frequency. This variant is predicted to cause a frameshift, which alters the protein's amino acid sequence beginning at position 45 and leads to a premature termination codon 2 amino acids downstream. This alteration is then predicted to lead to a truncated or absent protein. While this alteration is then predicted to lead to a truncated or absent protein, this variant was detectable in the muscle RNA. However, western blot analysis showed reduced to absent BET1 in patient fibroblasts compared to controls. Of note, loss of function of the BET1 gene in autosomal dominant disease has not yet been established based on the criteria laid out in Tayoun, 2018 (PMID: 30192042). In summary, while there is some suspicion for a pathogenic role, the clinical significance of this variant is uncertain.

OMIM
Classification: Pathogenic for MUSCULAR DYSTROPHY, CONGENITAL, WITH RAPID PROGRESSION. Last evaluated: 2024-02-06. Review status: no assertion criteria provided. Collection method: literature only. Allele origin: germline. Not counted in ClinVar's aggregate classification.

Literature cited by the submitters: PubMed 34779586 (cited by OMIM).